The following is an entry in ClinVar:

NM_001099922.3(ALG13):c.3093A>G (p.Gln1031=)

Gene: ALG13 (ALG13 UDP-N-acetylglucosaminyltransferase subunit; plus strand). Cytogenetic location: Xq23.
Variant type: single nucleotide variant.
Coding change: c.3093A>G on transcript NM_001099922.3 (MANE Select); coding-DNA position 3093, A replaced by G.
Protein change: p.Gln1031=; no amino-acid change (glutamine 1031 retained).
Molecular consequence: synonymous variant. On other transcripts: non-coding transcript variant (1).
Genome position (GRCh38, 1-based): chrX:111,757,707, A>G. VCF-style: chrX-111757707-A-G. GRCh37 (hg19) VCF-style: chrX-111000935-A-G.
Other names: c.2544A>G, p.Gln848= (NM_001257230.2, NM_001257234.2, NM_001257237.2); c.2859A>G, p.Gln953= (NM_001257231.2); c.2856A>G, p.Gln952= (NM_001324292.2); c.2370A>G, p.Gln790= (NM_001324293.1).
Identifiers: ClinVar variation 386253 (VCV000386253.43), dbSNP rs372260338, ClinGen allele CA10494042.
Genomic context (GRCh38, chrX:111,757,707, plus strand): 5'-TCATGTAGAGAATTATCCAGTCTATACTGAGCCACCTCTGGTAGATCAAACCGTTCCTCA[A>G]TGCTACAGTGAGGTGAGGAGAGAAGATGGCATACAGGCGGAAGCATCAGCAAATGGTGAG-3'
Protein context (NP_001093392.1, residues 1021-1041): EPPLVDQTVP[Gln1031=]CYSEVRREDG

ClinVar aggregate classification (germline): Benign/Likely benign. Review status: criteria provided, multiple submitters, no conflicts (2 of 4 stars). 10 submissions from 10 submitters: Benign (4); Likely benign (3). 3 of the submissions do not count toward it. Last evaluated 2026-01-05.

Conditions:
Inborn genetic diseases. Identifiers: MedGen C0950123, MeSH D030342.
Developmental and epileptic encephalopathy, 36 (DEE36). Also called: Epileptic encephalopathy, early infantile, 36; Congenital disorder of glycosylation, type Is; ALG13-CDG. Identifiers: Orphanet 324422, MedGen C4317295, MONDO:0010472, OMIM 300884.
ALG13-related disorder. Also called: ALG13-related condition.

Allele frequency attached by ClinVar (database versions not stated): gnomAD exomes 0.00014 and 0.00026; ExAC 0.00020; ESP Exome Variant Server 0.00037; gnomAD 0.00057 and 0.00065; TOPMed 0.00070.
gnomAD v4.1: 224 of 1,207,804 alleles (0.019%); highest among the groups gnomAD compares: African/African-American, 0.16%; no homozygotes.

Submissions (10):

Labcorp Genetics (formerly Invitae), Labcorp
Classification: Benign for Developmental and epileptic encephalopathy, 36. Last evaluated: 2026-01-05. Review status: criteria provided, single submitter. Criteria: Invitae Variant Classification Sherloc (09022015). Collection method: clinical testing. Allele origin: germline.

CeGaT Center for Human Genetics Tuebingen
Classification: Likely benign. Last evaluated: 2025-10-01. Review status: criteria provided, single submitter. Criteria: CeGaT Center For Human Genetics Tuebingen Variant Classification Criteria Version 2. Collection method: clinical testing. Allele origin: germline. Affected: yes. Observed: 4 variant alleles.
Comment: ALG13: BP4, BP7, BS2

Genome-Nilou Lab
Classification: Benign for Developmental and epileptic encephalopathy, 36. Last evaluated: 2021-12-05. Review status: criteria provided, single submitter. Criteria: ACMG Guidelines, 2015. Collection method: clinical testing. Allele origin: germline. Affected: no.

Fulgent Genetics
Classification: Likely benign for Developmental and epileptic encephalopathy, 36. Last evaluated: 2021-08-26. Review status: criteria provided, single submitter. Criteria: ACMG Guidelines, 2015. Collection method: clinical testing. Allele origin: unknown.

GeneDx
Classification: Likely benign. Last evaluated: 2021-05-03. Review status: criteria provided, single submitter. Criteria: GeneDx Variant Classification Process June 2021. Collection method: clinical testing. Allele origin: germline. Affected: yes.

Athena Diagnostics
Classification: Benign. Last evaluated: 2021-03-19. Review status: criteria provided, single submitter. Criteria: Athena Diagnostics criteria. Collection method: clinical testing. Allele origin: unknown.

Ambry Genetics
Classification: Benign for Inborn genetic diseases. Last evaluated: 2017-01-23. Review status: criteria provided, single submitter. Criteria: Ambry Variant Classification Scheme 2023. Collection method: clinical testing. Allele origin: germline.

PreventionGenetics, part of Exact Sciences
Classification: Likely benign for ALG13-related condition. Last evaluated: 2024-04-16. Review status: no assertion criteria provided. Collection method: clinical testing. Allele origin: germline. Not counted in ClinVar's aggregate classification.
Comment: This variant is classified as likely benign based on ACMG/AMP sequence variant interpretation guidelines (Richards et al. 2015 PMID: 25741868, with internal and published modifications).

Clinical Genetics DNA and cytogenetics Diagnostics Lab, Erasmus MC, Erasmus Medical Center
Classification: Likely benign. Review status: no assertion criteria provided. Collection method: clinical testing. Allele origin: germline. Affected: yes. Study: VKGL Data-share Consensus. Not counted in ClinVar's aggregate classification.

Genome Diagnostics Laboratory, University Medical Center Utrecht
Classification: Likely benign. Review status: no assertion criteria provided. Collection method: clinical testing. Allele origin: germline. Affected: yes. Study: VKGL Data-share Consensus. Not counted in ClinVar's aggregate classification.